The following is an entry in ClinVar:

ClinVar aggregate classification (germline): Likely benign (1 of 4 stars; one submission).

Allele frequency attached by ClinVar (database versions not stated): TOPMed below 0.00001; gnomAD 0.00004; gnomAD exomes 0.00004; ExAC 0.00006.
gnomAD v4.1: 44 of 1,193,579 alleles (0.0037%); highest among the groups gnomAD compares: South Asian, 0.0018%; no homozygotes.

Submission:

CeGaT Center for Human Genetics Tuebingen
Classification: Likely benign. Last evaluated: 2024-06-01. Review status: criteria provided, single submitter. Criteria: CeGaT Center For Human Genetics Tuebingen Variant Classification Criteria Version 2. Collection method: clinical testing. Allele origin: germline. Affected: yes. Observed: 1 variant allele.
Comment: POLA1: BS2

NM_001330360.2(POLA1):c.2252C>T (p.Thr751Ile)

Gene: POLA1 (DNA polymerase alpha 1, catalytic subunit; plus strand). Cytogenetic location: Xp22.11.
Variant type: single nucleotide variant.
Coding change: c.2252C>T on transcript NM_001330360.2 (MANE Select); coding-DNA position 2252, C replaced by T.
Protein change: p.Thr751Ile; replaces threonine 751 with isoleucine.
Molecular consequence: missense variant. On other transcripts: non-coding transcript variant (2).
Genome position (GRCh38, 1-based): chrX:24,741,410, C>T. VCF-style: chrX-24741410-C-T. GRCh37 (hg19) VCF-style: chrX-24759527-C-T.
Other names: c.2177C>T, p.Thr726Ile (NM_001378303.1); c.2234C>T, p.Thr745Ile (NM_016937.4); short protein forms T726I, T745I, T751I.
Identifiers: ClinVar variation 3250593 (VCV003250593.18), dbSNP rs757317865.